The following is an entry in ClinVar:

ClinVar aggregate classification (germline): Uncertain significance (1 of 4 stars; one submission).

Conditions:
Walker-Warburg congenital muscular dystrophy. Also called: Muscular dystrophy-dystroglycanopathy, type A; Walker-Warburg syndrome. Identifiers: Orphanet 899, MedGen C0265221, MONDO:0000171.

Allele frequency attached by ClinVar (database versions not stated): ExAC below 0.00001; gnomAD exomes below 0.00001; gnomAD 0.00001.
gnomAD v4.1: 3 of 1,573,326 alleles (0.00019%); highest among the groups gnomAD compares: African/African-American, 0.0014%; no homozygotes.

Submission:

Labcorp Genetics (formerly Invitae), Labcorp
Classification: Uncertain significance for Walker-Warburg congenital muscular dystrophy. Last evaluated: 2021-08-30. Review status: criteria provided, single submitter. Criteria: Invitae Variant Classification Sherloc (09022015). Collection method: clinical testing. Allele origin: germline.
Comment: This sequence change replaces alanine with threonine at codon 204 of the FKRP protein (p.Ala204Thr). The alanine residue is moderately conserved and there is a small physicochemical difference between alanine and threonine. This variant has not been reported in the literature in individuals affected with FKRP-related conditions. Algorithms developed to predict the effect of missense changes on protein structure and function output the following: SIFT: "Tolerated"; PolyPhen-2: "Benign"; Align-GVGD: "Class C0". The threonine amino acid residue is found in multiple mammalian species, which suggests that this missense change does not adversely affect protein function. In summary, the available evidence is currently insufficient to determine the role of this variant in disease. Therefore, it has been classified as a Variant of Uncertain Significance.

NM_024301.5(FKRP):c.610G>A (p.Ala204Thr)

Gene: FKRP (fukutin related protein; plus strand). Cytogenetic location: 19q13.32.
Variant type: single nucleotide variant.
Coding change: c.610G>A on transcript NM_024301.5 (MANE Select); coding-DNA position 610, G replaced by A.
Protein change: p.Ala204Thr; replaces alanine 204 with threonine.
Molecular consequence: missense variant.
Genome position (GRCh38, 1-based): chr19:46,756,060, G>A. VCF-style: chr19-46756060-G-A. GRCh37 (hg19) VCF-style: chr19-47259317-G-A.
Other names: c.610G>A, p.Ala204Thr (NM_001039885.3); short protein forms A204T.
Identifiers: ClinVar variation 459241 (VCV000459241.6), dbSNP rs764621521, ClinGen allele CA9532177.